The following is an entry in ClinVar:

NM_002292.4(LAMB2):c.598G>A (p.Val200Ile)

Gene: LAMB2 (laminin subunit beta 2; minus strand). Cytogenetic location: 3p21.31.
Variant type: single nucleotide variant.
Coding change: c.598G>A on transcript NM_002292.4 (MANE Select); coding-DNA position 598, G replaced by A.
Protein change: p.Val200Ile; replaces valine 200 with isoleucine.
Molecular consequence: missense variant.
Genome position (GRCh38, 1-based): chr3:49,131,585, C>T on the plus strand (G>A on the coding strand, the complement: LAMB2 is on the minus strand). VCF-style: chr3-49131585-C-T. GRCh37 (hg19) VCF-style: chr3-49169018-C-T.
Other names: short protein forms V200I.
Identifiers: ClinVar variation 935194 (VCV000935194.9), dbSNP rs149325182, ClinGen allele CA2394885.

ClinVar aggregate classification (germline): Uncertain significance. Review status: criteria provided, multiple submitters, no conflicts (2 of 4 stars). 4 submissions from 4 submitters: Uncertain significance (4). Last evaluated 2024-11-11.

Conditions:
Pierson syndrome. Also called: MICROCORIA-CONGENITAL NEPHROTIC SYNDROME. Identifiers: Orphanet 2670, MedGen C1836876, MONDO:0012184, OMIM 609049.
LAMB2-related infantile-onset nephrotic syndrome. Also called: NEPHROTIC SYNDROME, TYPE 5, WITHOUT OCULAR ABNORMALITIES; NEPHROTIC SYNDROME, TYPE 5, WITH OCULAR ABNORMALITIES; Nephrotic Syndrome, type 5. Identifiers: Orphanet 306507, MedGen C3280113, MONDO:0013621, OMIM 614199.
Inborn genetic diseases. Identifiers: MedGen C0950123, MeSH D030342.

Allele frequency attached by ClinVar (database versions not stated): gnomAD exomes 0.00002 and 0.00007; ExAC 0.00009; 1000 Genomes Project 0.00020; gnomAD 0.00028 and 0.00034; TOPMed 0.00032; ESP Exome Variant Server 0.00046; 1000 Genomes Project 30x 0.00047.
gnomAD v4.1: 74 of 1,613,928 alleles (0.0046%); highest among the groups gnomAD compares: African/African-American, 0.091%; no homozygotes.

Submissions (4):

Ambry Genetics
Classification: Uncertain significance for Inborn genetic diseases. Last evaluated: 2024-11-11. Review status: criteria provided, single submitter. Criteria: Ambry Variant Classification Scheme 2023. Collection method: clinical testing. Allele origin: germline.

Fulgent Genetics
Classification: Uncertain significance for Pierson syndrome; LAMB2-related infantile-onset nephrotic syndrome. Last evaluated: 2024-04-09. Review status: criteria provided, single submitter. Criteria: ACMG Guidelines, 2015. Collection method: clinical testing. Allele origin: germline.

Labcorp Genetics (formerly Invitae), Labcorp
Classification: Uncertain significance for LAMB2-related infantile-onset nephrotic syndrome; Pierson syndrome. Last evaluated: 2022-06-04. Review status: criteria provided, single submitter. Criteria: Invitae Variant Classification Sherloc (09022015). Collection method: clinical testing. Allele origin: germline.
Comment: In summary, the available evidence is currently insufficient to determine the role of this variant in disease. Therefore, it has been classified as a Variant of Uncertain Significance. Algorithms developed to predict the effect of missense changes on protein structure and function output the following: SIFT: "Tolerated"; PolyPhen-2: "Benign"; Align-GVGD: "Class C0". The isoleucine amino acid residue is found in multiple mammalian species, which suggests that this missense change does not adversely affect protein function. ClinVar contains an entry for this variant (Variation ID: 935194). This variant has not been reported in the literature in individuals affected with LAMB2-related conditions. This variant is present in population databases (rs149325182, gnomAD 0.08%). This sequence change replaces valine, which is neutral and non-polar, with isoleucine, which is neutral and non-polar, at codon 200 of the LAMB2 protein (p.Val200Ile).

Athena Diagnostics
Classification: Uncertain significance. Last evaluated: 2020-08-03. Review status: criteria provided, single submitter. Criteria: Athena Diagnostics Criteria. Collection method: clinical testing. Allele origin: unknown.